The following is an entry in ClinVar:

NM_006766.5(KAT6A):c.5120T>C (p.Met1707Thr)

Gene: KAT6A (lysine acetyltransferase 6A; minus strand). Cytogenetic location: 8p11.21.
Variant type: single nucleotide variant.
Coding change: c.5120T>C on transcript NM_006766.5 (MANE Select); coding-DNA position 5120, T replaced by C.
Protein change: p.Met1707Thr; replaces methionine 1707 with threonine.
Molecular consequence: missense variant.
Genome position (GRCh38, 1-based): chr8:41,933,100, A>G on the plus strand (T>C on the coding strand, the complement: KAT6A is on the minus strand). VCF-style: chr8-41933100-A-G. GRCh37 (hg19) VCF-style: chr8-41790618-A-G.
Other names: short protein forms M1707T.
Identifiers: ClinVar variation 1690855 (VCV001690855.2), dbSNP rs2150855329, ClinGen allele CA371063610.

ClinVar aggregate classification (germline): Uncertain significance (1 of 4 stars; one submission).

Submission:

Laboratorio de Genetica e Diagnostico Molecular, Hospital Israelita Albert Einstein
Classification: Uncertain significance. Last evaluated: 2020-04-09. Review status: criteria provided, single submitter. Criteria: ACMG Guidelines, 2015. Collection method: clinical testing. Allele origin: germline. Affected: yes.
Comment: ACMG classification criteria: PM2, BP4